The following is an entry in ClinVar:

NM_000257.4(MYH7):c.2983G>A (p.Glu995Lys)

Gene: MYH7 (myosin heavy chain 7; minus strand). Cytogenetic location: 14q11.2.
Variant type: single nucleotide variant.
Coding change: c.2983G>A on transcript NM_000257.4 (MANE Select); coding-DNA position 2983, G replaced by A.
Protein change: p.Glu995Lys; replaces glutamic acid 995 with lysine.
Molecular consequence: missense variant.
Genome position (GRCh38, 1-based): chr14:23,423,663, C>T on the plus strand (G>A on the coding strand, the complement: MYH7 is on the minus strand). VCF-style: chr14-23423663-C-T. GRCh37 (hg19) VCF-style: chr14-23892872-C-T.
Other names: c.2983G>A, p.Glu995Lys (NM_001407004.1); short protein forms E995K.
Identifiers: ClinVar variation 3074765 (VCV003074765.4), dbSNP rs1268553099, ClinGen allele CA389046337.
Genomic context (GRCh38, chr14:23,423,663, plus strand): 5'-CCTCCTCGGCCTGAAGGTCATCCAGAGCCTGTTGGTGGGCCTCTTGCAGAGCTTTCTTCT[C>T]CTTGGTCAGCTTGGCAATGATCTCATCCAGCCCAGCCATCTCCTCTGTCAGGTTTTTCAC-3'
Protein context (NP_000248.2, residues 985-1005): LDEIIAKLTK[Glu995Lys]KKALQEAHQQ

ClinVar aggregate classification (germline): Uncertain significance. Review status: criteria provided, multiple submitters, no conflicts (2 of 4 stars). 3 submissions from 3 submitters: Uncertain significance (3). Last evaluated 2025-07-09.

Conditions:
Cardiomyopathy (CMYO). Also called: Cardiomyopathies. Identifiers: Orphanet 167848, MedGen C0878544, MONDO:0004994, HP:0001638. Inheritance: Various modes of inheritance.
Hypertrophic cardiomyopathy. Also called: HYPERTROPHIC MYOCARDIOPATHY. Identifiers: Orphanet 217569, MedGen C0007194, MeSH D002312, MONDO:0005045, HP:0001639.

Allele frequency attached by ClinVar (database versions not stated): TOPMed below 0.00001; gnomAD exomes 0.00001.

Submissions (3):

Labcorp Genetics (formerly Invitae), Labcorp
Classification: Uncertain significance for Hypertrophic cardiomyopathy. Last evaluated: 2025-07-09. Review status: criteria provided, single submitter. Criteria: Invitae Variant Classification Sherloc (09022015). Collection method: clinical testing. Allele origin: germline.
Comment: This sequence change replaces glutamic acid, which is acidic and polar, with lysine, which is basic and polar, at codon 995 of the MYH7 protein (p.Glu995Lys). This variant is not present in population databases (gnomAD no frequency). This variant has not been reported in the literature in individuals affected with MYH7-related conditions. ClinVar contains an entry for this variant (Variation ID: 3074765). Invitae Evidence Modeling of protein sequence and biophysical properties (such as structural, functional, and spatial information, amino acid conservation, physicochemical variation, residue mobility, and thermodynamic stability) indicates that this missense variant is expected to disrupt MYH7 protein function with a positive predictive value of 95%. In summary, the available evidence is currently insufficient to determine the role of this variant in disease. Therefore, it has been classified as a Variant of Uncertain Significance.

Women's Health and Genetics/Laboratory Corporation of America, LabCorp
Classification: Uncertain significance. Last evaluated: 2024-11-29. Review status: criteria provided, single submitter. Criteria: LabCorp Variant Classification Summary - May 2015. Collection method: clinical testing. Allele origin: germline.
Comment: Variant summary: MYH7 c.2983G>A (p.Glu995Lys) results in a conservative amino acid change in the encoded protein sequence. Three of five in-silico tools predict a damaging effect of the variant on protein function. The variant was absent in 251492 control chromosomes. The available data on variant occurrences in the general population are insufficient to allow any conclusion about variant significance. The following publication has been ascertained in the context of this evaluation (PMID: 34542152). ClinVar contains an entry for this variant (Variation ID: 3074765). Based on the evidence outlined above, the variant was classified as uncertain significance.

All of Us Research Program, National Institutes of Health
Classification: Uncertain significance for Cardiomyopathy. Last evaluated: 2023-12-13. Review status: criteria provided, single submitter. Criteria: ACMG Guidelines, 2015. Collection method: clinical testing. Allele origin: germline. Inheritance: Autosomal dominant inheritance. Observed: 1 variant allele, 1 heterozygote.
Comment: This missense variant replaces glutamic acid with lysine at codon 995 of the MYH7 protein. Computational prediction suggests that this variant may have deleterious impact on protein structure and function. To our knowledge, functional studies have not been reported for this variant. This variant has not been reported in individuals affected with MYH7-related disorders in the literature. This variant has not been identified in the general population by the Genome Aggregation Database (gnomAD). The available evidence is insufficient to determine the role of this variant in disease conclusively. Therefore, this variant is classified as a Variant of Uncertain Significance.

This study involves interpretation of variants in research participants for the purpose of population health screening. Participant phenotype was not available at the time of variant classification. Additional details can be found in publication PMID: 35346344, PMCID: PMC8962531

Literature cited by the submitters: PubMed 34542152 (cited by Women's Health and Genetics/Laboratory Corporation of America, LabCorp).